The following is an entry in ClinVar:

NM_003322.6(TULP1):c.714G>C (p.Lys238Asn)

Gene: TULP1 (TUB like protein 1; minus strand). Cytogenetic location: 6p21.31.
Variant type: single nucleotide variant.
Coding change: c.714G>C on transcript NM_003322.6 (MANE Select); coding-DNA position 714, G replaced by C.
Protein change: p.Lys238Asn; replaces lysine 238 with asparagine.
Molecular consequence: missense variant.
Genome position (GRCh38, 1-based): chr6:35,509,638, C>G on the plus strand (G>C on the coding strand, the complement: TULP1 is on the minus strand). VCF-style: chr6-35509638-C-G. GRCh37 (hg19) VCF-style: chr6-35477415-C-G.
Other names: c.714G>C (NM_003322.3, NM_003322.5); c.555G>C, p.Lys185Asn (NM_001289395.2); short protein forms K185N, K238N.
Identifiers: ClinVar variation 783184 (VCV000783184.13), dbSNP rs9688653, ClinGen allele CA3772836.

ClinVar aggregate classification (germline): Conflicting classifications of pathogenicity. Review status: criteria provided, conflicting classifications (1 of 4 stars). 4 submissions from 4 submitters: Uncertain significance (2); Likely benign (1). 1 of the submissions does not count toward it. Last evaluated 2026-01-06.

Conditions:
TULP1-related disorder. Also called: TULP1-related condition; TULP1-related disorders.
Inborn genetic diseases. Identifiers: MedGen C0950123, MeSH D030342.

Allele frequency attached by ClinVar (database versions not stated): gnomAD exomes 0.00010 and 0.00023; ExAC 0.00030; 1000 Genomes Project 30x 0.00078; 1000 Genomes Project 0.00080; gnomAD 0.00083 and 0.00086; TOPMed 0.00103; ESP Exome Variant Server 0.00115.
gnomAD v4.1: 270 of 1,614,106 alleles (0.017%); highest among the groups gnomAD compares: African/African-American, 0.31%; no homozygotes.

Submissions (4):

Labcorp Genetics (formerly Invitae), Labcorp
Classification: Likely benign. Last evaluated: 2026-01-06. Review status: criteria provided, single submitter. Criteria: Invitae Variant Classification Sherloc (09022015). Collection method: clinical testing. Allele origin: germline.

Blueprint Genetics
Classification: Uncertain significance. Last evaluated: 2024-08-09. Review status: criteria provided, single submitter. Criteria: ACMG Guidelines, 2015. Collection method: clinical testing. Allele origin: germline.

Ambry Genetics
Classification: Uncertain significance for Inborn genetic diseases. Last evaluated: 2024-02-13. Review status: criteria provided, single submitter. Criteria: Ambry Variant Classification Scheme 2023. Collection method: clinical testing. Allele origin: germline.

PreventionGenetics, part of Exact Sciences
Classification: Likely benign for TULP1-related condition. Last evaluated: 2024-07-30. Review status: no assertion criteria provided. Collection method: clinical testing. Allele origin: germline. Not counted in ClinVar's aggregate classification.
Comment: This variant is classified as likely benign based on ACMG/AMP sequence variant interpretation guidelines (Richards et al. 2015 PMID: 25741868, with internal and published modifications).